The following is an entry in ClinVar:

NM_006005.3(WFS1):c.927G>C (p.Arg309Ser)

Gene: WFS1 (wolframin ER transmembrane glycoprotein; plus strand). Cytogenetic location: 4p16.1.
Variant type: single nucleotide variant.
Coding change: c.927G>C on transcript NM_006005.3 (MANE Select); coding-DNA position 927, G replaced by C.
Protein change: p.Arg309Ser; replaces arginine 309 with serine.
Molecular consequence: missense variant.
Genome position (GRCh38, 1-based): chr4:6,300,722, G>C. VCF-style: chr4-6300722-G-C. GRCh37 (hg19) VCF-style: chr4-6302449-G-C.
Other names: c.927G>C, p.Arg309Ser (NM_001145853.1); short protein forms R309S.
Identifiers: ClinVar variation 5020340 (VCV005020340.1).

ClinVar aggregate classification (germline): Uncertain significance (1 of 4 stars; one submission).

gnomAD v4.1: 4 of 1,613,988 alleles (0.00025%); highest among the groups gnomAD compares: East Asian, 0.0022%; no homozygotes.

Submission:

Dasa
Classification: Uncertain significance. Last evaluated: 2026-06-19. Review status: criteria provided, single submitter. Criteria: DASA Assertion Criteria. Collection method: clinical testing. Allele origin: germline.
Comment: NM_006005.3(WFS1):c.927G>C (p.Arg309Ser) is a missense variant that results in the substitution of arginine with serine. The affected residue or protein region has prior evidence supporting clinical relevance. This variant is rare in population databases. The currently available literature and clinical evidence are not sufficient to establish a definitive association between this variant and the reported condition. Therefore, this variant is classified as a variant of uncertain significance.